The following is an entry in ClinVar:

NM_004172.5(SLC1A3):c.*594G>A

Genes: SLC1A3 (solute carrier family 1 member 3; plus strand), SLC1A3-AS1 (SLC1A3 antisense RNA 1; minus strand). Cytogenetic location: 5p13.2.
Variant type: single nucleotide variant.
Coding change: c.*594G>A on transcript NM_004172.5 (MANE Select); 594 bases downstream of the stop codon, G replaced by A.
Molecular consequence: 3 prime UTR variant.
Genome position (GRCh38, 1-based): chr5:36,686,863, G>A. VCF-style: chr5-36686863-G-A. GRCh37 (hg19) VCF-style: chr5-36686965-G-A.
Other names: c.*594G>A (NM_001166695.3, NM_001289939.2, NM_001289940.2).
Identifiers: ClinVar variation 353338 (VCV000353338.5), dbSNP rs10428531, ClinGen allele CA10621698.

ClinVar aggregate classification (germline): Benign (1 of 4 stars; one submission).

Conditions:
Episodic ataxia type 6. Identifiers: Orphanet 209967, MedGen C2675211, MONDO:0012982, OMIM 612656.

Allele frequency attached by ClinVar (database versions not stated): gnomAD exomes 0.00108; gnomAD 0.01823; TOPMed 0.02083; 1000 Genomes Project 0.02456; 1000 Genomes Project 30x 0.02655.
gnomAD v4.1: 2,810 of 164,734 alleles (1.7%); highest among the groups gnomAD compares: African/African-American, 6.4%; 89 homozygotes.

Submission:

Illumina Laboratory Services, Illumina
Classification: Benign for Episodic ataxia type 6. Last evaluated: 2018-01-13. Review status: criteria provided, single submitter. Criteria: ICSL Variant Classification Criteria 13 December 2019. Collection method: clinical testing. Allele origin: germline.
Comment: This variant was observed in the ICSL laboratory as part of a predisposition screen in an ostensibly healthy population. It had not been previously curated by ICSL or reported in the Human Gene Mutation Database (HGMD: prior to June 1st, 2018), and was therefore a candidate for classification through an automated scoring system. Utilizing variant allele frequency, disease prevalence and penetrance estimates, and inheritance mode, an automated score was calculated to assess if this variant is too frequent to cause the disease. Based on the score and internal cut-off values, a variant classified as benign is not then subjected to further curation. The score for this variant resulted in a classification of benign for this disease.